The following is an entry in ClinVar:

NM_014629.4(ARHGEF10):c.1441-25_1453dup

Gene: ARHGEF10 (Rho guanine nucleotide exchange factor 10; plus strand). Cytogenetic location: 8p23.3.
Variant type: Duplication.
Coding change: c.1441-25_1453dup on transcript NM_014629.4 (MANE Select); 25 bases into the intron before coding-DNA position 1441 through coding-DNA position 1453, 38 bases duplicated.
Molecular consequence: splice acceptor variant.
Genome position (GRCh38, 1-based): chr8:1,896,308-1,896,345, 38 bases duplicated. GRCh37 (hg19): chr8:1,844,474-1,844,511.
Other names: c.1327-25_1339dup (NM_001438092.1, NM_001308152.2, NM_001438094.1); c.1444-25_1456dup (NM_001438091.1, NM_001308153.3); c.1324-25_1336dup (NM_001438093.1).
Identifiers: ClinVar variation 4720091 (VCV004720091.1).

ClinVar aggregate classification (germline): Uncertain significance (1 of 4 stars; one submission).

Submission:

Labcorp Genetics (formerly Invitae), Labcorp
Classification: Uncertain significance. Last evaluated: 2025-05-22. Review status: criteria provided, single submitter. Criteria: Invitae Variant Classification Sherloc (09022015). Collection method: clinical testing. Allele origin: germline.
Comment: This sequence change falls in intron 13 of the ARHGEF10 gene. It does not directly change the encoded amino acid sequence of the ARHGEF10 protein. This variant is not present in population databases (gnomAD no frequency). This variant has not been reported in the literature in individuals affected with ARHGEF10-related conditions. This variant is also known as p.Met485Thrfs*23. Experimental studies and prediction algorithms are not available or were not evaluated, and the functional significance of this variant is currently unknown. In summary, the available evidence is currently insufficient to determine the role of this variant in disease. Therefore, it has been classified as a Variant of Uncertain Significance.